The following is an entry in ClinVar:

ClinVar aggregate classification (germline): Likely pathogenic (1 of 4 stars; one submission).

Conditions:
Finnish congenital nephrotic syndrome (NPHS1). Also called: NEPHROTIC SYNDROME, TYPE 1. Identifiers: Orphanet 839, MedGen C0403399, MONDO:0009732, OMIM 256300.

Submission:

Natera, Inc.
Classification: Likely pathogenic for Finnish congenital nephrotic syndrome. Last evaluated: 2024-04-11. Review status: criteria provided, single submitter. Criteria: Natera Variant Classification Schema (03/2026). Collection method: clinical testing. Allele origin: germline.
Comment: The c.1595_1598dupAGCT variant in NPHS1 is a frameshift variant predicted to shift the reading frame beginning at codon 534 and leads to a stop codon 15 codons downstream. This variant is expected to result in nonsense mediated decay, truncation, or a dysfunctional protein product. This variant is rare in the general population with a frequency below the threshold expected for the associated phenotype(s). Given the available evidence, this variant is classified as Likely Pathogenic.

NM_004646.4(NPHS1):c.1595_1598dup (p.Ser534fs)

Gene: NPHS1 (NPHS1 adhesion molecule, nephrin; minus strand). Cytogenetic location: 19q13.12.
Variant type: Duplication.
Coding change: c.1595_1598dup on transcript NM_004646.4 (MANE Select); coding-DNA positions 1595 to 1598, 4 bases duplicated (AGCT; older notation c.1595_1598dupAGCT).
Protein change: p.Ser534fs; shifts the reading frame from serine 534.
Molecular consequence: frameshift variant.
Genome position (GRCh38, 1-based): chr19:35,846,037-35,846,040, AGCT duplicated on the plus strand (AGCT on the coding strand, the reverse complement: NPHS1 is on the minus strand). VCF-style (leftmost placement, unchanged base first): chr19-35846036-G-GAGCT. GRCh37 (hg19) VCF-style: chr19-36336938-G-GAGCT.
Other names: c.1595_1598dupAGCT (NM_004646.3); short protein forms S534fs.
Identifiers: ClinVar variation 4815378 (VCV004815378.1).
Genomic context (GRCh38, chr19:35,846,036, plus strand): 5'-CGCCCCCGGGCCTCAGCAGTGCGAGCCCTCACACTGCACCGCCAGCTGCGTGGACGCGCT[G>GAGCT]AGCTGTCCAGCCTTGCACGTGAACTTGGCCTGGTTGTCCGACGGCCCTGTGACCAGCACC-3'